The following is an entry in ClinVar:

NM_015001.3(SPEN):c.9604C>A (p.His3202Asn)

Gene: SPEN (spen family transcriptional repressor; plus strand). Cytogenetic location: 1p36.13.
Variant type: single nucleotide variant.
Coding change: c.9604C>A on transcript NM_015001.3 (MANE Select); coding-DNA position 9604, C replaced by A.
Protein change: p.His3202Asn; replaces histidine 3202 with asparagine.
Molecular consequence: missense variant.
Genome position (GRCh38, 1-based): chr1:15,935,844, C>A. VCF-style: chr1-15935844-C-A. GRCh37 (hg19) VCF-style: chr1-16262339-C-A.
Other names: short protein forms H3202N.
Identifiers: ClinVar variation 2442727 (VCV002442727.2), dbSNP rs2523096047, ClinGen allele CA338658243.

ClinVar aggregate classification (germline): Uncertain significance (1 of 4 stars; one submission).

Submission:

GeneDx
Classification: Uncertain significance. Last evaluated: 2023-05-23. Review status: criteria provided, single submitter. Criteria: GeneDx Variant Classification Process June 2021. Collection method: clinical testing. Allele origin: germline. Affected: yes.
Comment: Not observed at significant frequency in large population cohorts (gnomAD); In silico analysis supports that this missense variant does not alter protein structure/function; Has not been previously published as pathogenic or benign to our knowledge